The following is an entry in ClinVar:

NM_000238.4(KCNH2):c.699G>T (p.Ala233=)

Gene: KCNH2 (potassium voltage-gated channel subfamily H member 2; minus strand). Cytogenetic location: 7q36.1.
Variant type: single nucleotide variant.
Coding change: c.699G>T on transcript NM_000238.4 (MANE Select); coding-DNA position 699, G replaced by T.
Protein change: p.Ala233=; no amino-acid change (alanine 233 retained).
Molecular consequence: synonymous variant. On other transcripts: non-coding transcript variant (1).
Genome position (GRCh38, 1-based): chr7:150,958,276, C>A on the plus strand (G>T on the coding strand, the complement: KCNH2 is on the minus strand). VCF-style: chr7-150958276-C-A. GRCh37 (hg19) VCF-style: chr7-150655364-C-A.
Other names: c.411G>T, p.Ala137= (NM_001406753.1, NM_001406756.1); c.522G>T, p.Ala174= (NM_001406755.1); c.399G>T, p.Ala133= (NM_001406757.1); c.699G>T, p.Ala233= (NM_172056.3).
Identifiers: ClinVar variation 1899999 (VCV001899999.6), dbSNP rs1242612823, ClinGen allele CA458872232.
Genomic context (GRCh38, chr7:150,958,276, plus strand): 5'-CGCCCGGGGCGATGGGAGCTGGCCGGGCGCGCTGCGGGGCGGAGAGCCGGGACCCACCAG[C>A]GCACGCCGCTCCTCCGCGGGCCCGAGCCCTGCCACGTGGTTGTCCATGGCTGTCACTTCG-3'
Protein context (NP_000229.1, residues 223-243): AGLGPAEERR[Ala233=]LVGPGSPPRS

ClinVar aggregate classification (germline): Conflicting classifications of pathogenicity. Review status: criteria provided, conflicting classifications (1 of 4 stars). 2 submissions from 2 submitters: Uncertain significance (1); Likely benign (1). Last evaluated 2025-12-01.

Conditions:
Long QT syndrome (LQTS). Identifiers: MedGen C0023976, MeSH D008133, MONDO:0002442. Disease mechanism: loss of function. Inheritance: Various modes of inheritance.
Cardiovascular phenotype. Identifiers: MedGen CN230736.

Submissions (2):

Labcorp Genetics (formerly Invitae), Labcorp
Classification: Likely benign for Long QT syndrome. Last evaluated: 2025-12-01. Review status: criteria provided, single submitter. Criteria: Invitae Variant Classification Sherloc (09022015). Collection method: clinical testing. Allele origin: germline.

Ambry Genetics
Classification: Uncertain significance for Cardiovascular phenotype. Last evaluated: 2025-05-03. Review status: criteria provided, single submitter. Criteria: Ambry Variant Classification Scheme 2023. Collection method: clinical testing. Allele origin: germline.
Comment: The c.699G>T variant (also known as p.A233A), located in coding exon 4 of the KCNH2 gene, results from a G to T substitution at nucleotide position 699. This nucleotide substitution does not change the alanine at codon 233. This nucleotide position is not well conserved in available vertebrate species. In silico splice site analysis for this alteration is inconclusive. Based on the available evidence, the clinical significance of this variant remains unclear.